The following is an entry in ClinVar:

NM_000293.3(PHKB):c.3127A>T (p.Lys1043Ter)

Gene: PHKB (phosphorylase kinase regulatory subunit beta; plus strand). Cytogenetic location: 16q12.1.
Variant type: single nucleotide variant.
Coding change: c.3127A>T on transcript NM_000293.3 (MANE Select); coding-DNA position 3127, A replaced by T.
Protein change: p.Lys1043Ter; replaces lysine 1043 with a stop codon.
Molecular consequence: nonsense.
Genome position (GRCh38, 1-based): chr16:47,698,571, A>T. VCF-style: chr16-47698571-A-T. GRCh37 (hg19) VCF-style: chr16-47732482-A-T.
Other names: c.3106A>T, p.Lys1036Ter (NM_001031835.3); c.3127A>T, p.Lys1043Ter (NM_001363837.1); short protein forms K1043*, K1036*.
Identifiers: ClinVar variation 5005589 (VCV005005589.2).

ClinVar aggregate classification (germline): Uncertain significance (1 of 4 stars; one submission).

Conditions:
Glycogen storage disease IXb (GSD9B). Also called: PHOSPHORYLASE KINASE DEFICIENCY OF LIVER AND MUSCLE, AUTOSOMAL RECESSIVE; GLYCOGENOSIS OF LIVER AND MUSCLE, AUTOSOMAL RECESSIVE; GSD IXb. Identifiers: Orphanet 79240, MedGen C0543514, MONDO:0009868, OMIM 261750.

Submission:

Juno Genomics, Hangzhou Juno Genomics, Inc
Classification: Uncertain significance for Glycogen storage disease IXb. Review status: criteria provided, single submitter. Criteria: ACMG Guidelines, 2015. Collection method: clinical testing. Allele origin: germline.
Comment: Null variant in a gene where loss of function (LOF) is a known mechanism of disease.;Absent from controls (or at extremely low frequency if recessive) in Genome Aggregation Database.